The following is an entry in ClinVar:

NM_030943.4(AMN):c.163-3C>T

Gene: AMN (amnion associated transmembrane protein; plus strand). Cytogenetic location: 14q32.32.
Variant type: single nucleotide variant.
Coding change: c.163-3C>T on transcript NM_030943.4 (MANE Select); 3 bases into the intron before coding-DNA position 163, C replaced by T.
Molecular consequence: intron variant.
Genome position (GRCh38, 1-based): chr14:102,923,932, C>T. VCF-style: chr14-102923932-C-T. GRCh37 (hg19) VCF-style: chr14-103390269-C-T.
Identifiers: ClinVar variation 2187839 (VCV002187839.3), dbSNP rs746289915, ClinGen allele CA7359787.
Genomic context (GRCh38, chr14:102,923,932, plus strand): 5'-CTGAGACCGTGTGGCCCCGGTGGGGGTTGCTCCCGGCTCGGCTGAGGCAGCTTCTTCCTG[C>T]AGATGGTGTCAGTCCTGGTGCAAGAAGGTCACGCCGTCTCAGACATGGTAAGGCCGGGCT-3'

ClinVar aggregate classification (germline): Uncertain significance (1 of 4 stars; one submission).

Conditions:
Imerslund-Grasbeck syndrome. Also called: ENTEROCYTE COBALAMIN MALABSORPTION; ENTEROCYTE INTRINSIC FACTOR RECEPTOR, DEFECT OF; PERNICIOUS ANEMIA, JUVENILE, DUE TO SELECTIVE INTESTINAL MALABSORPTION OF VITAMIN B12, WITH PROTEINURIA; Imerslund-Gräsbeck syndrome; Megaloblastic anemia due to inborn errors of metabolism. Identifiers: Orphanet 35858, MedGen C4551825, MONDO:0009853.

Allele frequency attached by ClinVar (database versions not stated): gnomAD exomes 0.00001; ExAC 0.00002; TOPMed 0.00003; gnomAD 0.00004.
gnomAD v4.1: 23 of 1,613,066 alleles (0.0014%); highest among the groups gnomAD compares: African/African-American, 0.008%; no homozygotes.

Submission:

Labcorp Genetics (formerly Invitae), Labcorp
Classification: Uncertain significance for Imerslund-Grasbeck syndrome. Last evaluated: 2025-07-27. Review status: criteria provided, single submitter. Criteria: Invitae Variant Classification Sherloc (09022015). Collection method: clinical testing. Allele origin: germline.
Comment: This sequence change falls in intron 2 of the AMN gene. It does not directly change the encoded amino acid sequence of the AMN protein. It affects a nucleotide within the consensus splice site. This variant is present in population databases (rs746289915, gnomAD 0.008%). This variant has not been reported in the literature in individuals affected with AMN-related conditions. ClinVar contains an entry for this variant (Variation ID: 2187839). Variants that disrupt the consensus splice site are a relatively common cause of aberrant splicing (PMID: 17576681, 9536098). Algorithms developed to predict the effect of sequence changes on RNA splicing suggest that this variant may disrupt the consensus splice site. In summary, the available evidence is currently insufficient to determine the role of this variant in disease. Therefore, it has been classified as a Variant of Uncertain Significance.

Literature cited by the submitters: PubMed 17576681; PubMed 9536098.